The following is an entry in ClinVar:

NM_001382637.1(OTUD7A):c.2278A>G (p.Ser760Gly)

Gene: OTUD7A (OTU deubiquitinase 7A; minus strand). Cytogenetic location: 15q13.3.
Variant type: single nucleotide variant.
Coding change: c.2278A>G on transcript NM_001382637.1 (MANE Select); coding-DNA position 2278, A replaced by G.
Protein change: p.Ser760Gly; replaces serine 760 with glycine.
Molecular consequence: missense variant.
Genome position (GRCh38, 1-based): chr15:31,483,818, T>C on the plus strand (A>G on the coding strand, the complement: OTUD7A is on the minus strand). VCF-style: chr15-31483818-T-C. GRCh37 (hg19) VCF-style: chr15-31776021-T-C.
Other names: c.2257A>G, p.Ser753Gly (NM_130901.3); c.2257A>G (NM_130901.2); short protein forms S753G, S760G.
Identifiers: ClinVar variation 1242878 (VCV001242878.5), dbSNP rs2338681, ClinGen allele CA7453396.

ClinVar aggregate classification (germline): Benign. Review status: criteria provided, multiple submitters, no conflicts (2 of 4 stars). 3 submissions from 3 submitters: Benign (2). 1 of the submissions does not count toward it. Last evaluated 2018-07-02.

Conditions:
OTUD7A-related disorder. Also called: OTUD7A-related condition.

Allele frequency attached by ClinVar (database versions not stated): gnomAD exomes 0.98994 and 0.99065; gnomAD 0.99421 and 0.99442; TOPMed 0.99504; 1000 Genomes Project 30x 0.99844; 1000 Genomes Project 1.00000.
gnomAD v4.1: 994,293 of 1,003,664 alleles (99%); highest among the groups gnomAD compares: East Asian, 100%; 492,514 homozygotes.

Submissions (3):

GeneDx
Classification: Benign. Last evaluated: 2018-07-02. Review status: criteria provided, single submitter. Criteria: GeneDx Variant Classification Process June 2021. Collection method: clinical testing. Allele origin: germline. Affected: yes.

Breakthrough Genomics
Classification: Benign. Review status: criteria provided, single submitter. Criteria: ACMG Guidelines, 2015. Collection method: not provided. Allele origin: germline. Inheritance: Unknown mechanism. Affected: yes.

PreventionGenetics, part of Exact Sciences
Classification: Benign for OTUD7A-related condition. Last evaluated: 2021-03-12. Review status: no assertion criteria provided. Collection method: clinical testing. Allele origin: germline. Not counted in ClinVar's aggregate classification.
Comment: This variant is classified as benign based on ACMG/AMP sequence variant interpretation guidelines (Richards et al. 2015 PMID: 25741868, with internal and published modifications).